The following is an entry in ClinVar:

NM_000179.3(MSH6):c.3878C>T (p.Ala1293Val)

Gene: MSH6 (mutS homolog 6; plus strand). Cytogenetic location: 2p16.3.
Variant type: single nucleotide variant.
Coding change: c.3878C>T on transcript NM_000179.3 (MANE Select); coding-DNA position 3878, C replaced by T.
Protein change: p.Ala1293Val; replaces alanine 1293 with valine.
Molecular consequence: missense variant.
Genome position (GRCh38, 1-based): chr2:47,806,528, C>T. VCF-style: chr2-47806528-C-T. GRCh37 (hg19) VCF-style: chr2-48033667-C-T.
Other names: c.3488C>T, p.Ala1163Val (NM_001281492.2); c.2972C>T, p.Ala991Val (NM_001281493.2, NM_001281494.2); short protein forms A1163V, A1293V, A991V.
Identifiers: ClinVar variation 927786 (VCV000927786.11), dbSNP rs764835191, ClinGen allele CA346761373.

ClinVar aggregate classification (germline): Uncertain significance. Review status: criteria provided, multiple submitters, no conflicts (2 of 4 stars). 4 submissions from 4 submitters: Uncertain significance (4). Last evaluated 2025-10-10.

Conditions:
Hereditary cancer-predisposing syndrome. Also called: Neoplastic Syndromes, Hereditary; Hereditary Cancer Syndrome; Tumor predisposition; Hereditary neoplastic syndrome. Identifiers: Orphanet 140162, MedGen C0027672, MeSH D009386, MONDO:0015356.
Hereditary nonpolyposis colorectal neoplasms. Identifiers: MedGen C0009405, MeSH D003123.
Lynch syndrome. Identifiers: Orphanet 144, MedGen C4552100, MONDO:0005835. Disease mechanism: loss of function.

Allele frequency attached by ClinVar (database versions not stated): TOPMed below 0.00001.

Submissions (4):

Ambry Genetics
Classification: Uncertain significance for Hereditary cancer-predisposing syndrome. Last evaluated: 2025-10-10. Review status: criteria provided, single submitter. Criteria: Ambry Variant Classification Scheme 2023. Collection method: clinical testing. Allele origin: germline.
Comment: The p.A1293V variant (also known as c.3878C>T), located in coding exon 9 of the MSH6 gene, results from a C to T substitution at nucleotide position 3878. The alanine at codon 1293 is replaced by valine, an amino acid with similar properties. This amino acid position is highly conserved in available vertebrate species. In addition, this alteration is predicted to be deleterious by in silico analysis. Since supporting evidence is limited at this time, the clinical significance of this alteration remains unclear.

Labcorp Genetics (formerly Invitae), Labcorp
Classification: Uncertain significance for Hereditary nonpolyposis colorectal neoplasms. Last evaluated: 2025-02-25. Review status: criteria provided, single submitter. Criteria: Invitae Variant Classification Sherloc (09022015). Collection method: clinical testing. Allele origin: germline.
Comment: This sequence change replaces alanine, which is neutral and non-polar, with valine, which is neutral and non-polar, at codon 1293 of the MSH6 protein (p.Ala1293Val). This variant is not present in population databases (gnomAD no frequency). This variant has not been reported in the literature in individuals affected with MSH6-related conditions. ClinVar contains an entry for this variant (Variation ID: 927786). Invitae Evidence Modeling of protein sequence and biophysical properties (such as structural, functional, and spatial information, amino acid conservation, physicochemical variation, residue mobility, and thermodynamic stability) indicates that this missense variant is not expected to disrupt MSH6 protein function with a negative predictive value of 95%. In summary, the available evidence is currently insufficient to determine the role of this variant in disease. Therefore, it has been classified as a Variant of Uncertain Significance.

All of Us Research Program, National Institutes of Health
Classification: Uncertain significance for Lynch syndrome. Last evaluated: 2023-05-08. Review status: criteria provided, single submitter. Criteria: ACMG Guidelines, 2015. Collection method: clinical testing. Allele origin: germline. Inheritance: Autosomal dominant inheritance. Observed: 1 variant allele, 1 heterozygote.
Comment: This missense variant replaces alanine with valine at codon 1293 of the MSH6 protein. Computational prediction suggests that this variant may have deleterious impact on protein structure and function (internally defined REVEL score threshold >= 0.7, PMID: 27666373). To our knowledge, functional studies have not been reported for this variant. This variant has not been reported in individuals affected with hereditary cancer in the literature. This variant has not been identified in the general population by the Genome Aggregation Database (gnomAD). The available evidence is insufficient to determine the role of this variant in disease conclusively. Therefore, this variant is classified as a Variant of Uncertain Significance.

This study involves interpretation of variants in research participants for the purpose of population health screening. Participant phenotype was not available at the time of variant classification. Additional details can be found in publication PMID: 35346344, PMCID: PMC8962531

Color Diagnostics, LLC DBA Color Health
Classification: Uncertain significance for Hereditary cancer-predisposing syndrome. Last evaluated: 2020-07-07. Review status: criteria provided, single submitter. Criteria: ACMG Guidelines, 2015. Collection method: clinical testing. Allele origin: germline.
Comment: This missense variant replaces alanine with valine at codon 1293 of the MSH6 protein. Computational prediction suggests that this variant may have deleterious impact on protein structure and function (internally defined REVEL score threshold >= 0.7, PMID: 27666373). To our knowledge, functional studies have not been reported for this variant. This variant has not been reported in individuals affected with hereditary cancer in the literature. This variant has not been identified in the general population by the Genome Aggregation Database (gnomAD). The available evidence is insufficient to determine the role of this variant in disease conclusively. Therefore, this variant is classified as a Variant of Uncertain Significance.